The following is an entry in ClinVar:

ClinVar aggregate classification (germline): Conflicting classifications of pathogenicity. Review status: criteria provided, conflicting classifications (1 of 4 stars). 4 submissions from 4 submitters: Uncertain significance (1); Likely benign (2). 1 of the submissions does not count toward it. Last evaluated 2025-07-21.

Conditions:
Bethlem myopathy 1A. Also called: MYOPATHY, BENIGN CONGENITAL, WITH CONTRACTURES; Bethlem myopathy 1; Bethlem Muscular Dystrophy. Identifiers: Orphanet 610, MedGen CN029274, MONDO:0024530, OMIM 158810.
Myopathy. Identifiers: MedGen C0026848, MeSH D009135, MONDO:0005336, HP:0003198.

gnomAD v4.1: 23 of 1,612,760 alleles (0.0014%); highest among the groups gnomAD compares: Middle Eastern, 0.049%; no homozygotes.

Submissions (4):

Labcorp Genetics (formerly Invitae), Labcorp
Classification: Likely benign for Bethlem myopathy 1A. Last evaluated: 2025-07-21. Review status: criteria provided, single submitter. Criteria: Invitae Variant Classification Sherloc (09022015). Collection method: clinical testing. Allele origin: germline.

Blueprint Genetics
Classification: Uncertain significance. Last evaluated: 2024-05-14. Review status: criteria provided, single submitter. Criteria: ACMG Guidelines, 2015. Collection method: clinical testing. Allele origin: germline.

CeGaT Center for Human Genetics Tuebingen
Classification: Likely benign. Last evaluated: 2023-07-01. Review status: criteria provided, single submitter. Criteria: CeGaT Center For Human Genetics Tuebingen Variant Classification Criteria Version 2. Collection method: clinical testing. Allele origin: germline. Affected: yes. Observed: 1 variant allele.
Comment: COL6A3: BP4

Institute of Human Genetics, University of Wuerzburg
Classification: Uncertain significance for Myopathy. Review status: no assertion criteria provided. Collection method: clinical testing. Allele origin: unknown. Affected: yes. Observed: 1 variant allele. Not counted in ClinVar's aggregate classification.

NM_004369.4(COL6A3):c.9494-6G>A

Genes: COL6A3 (collagen type VI alpha 3 chain; minus strand), LOC126806573 (CDK7 strongly-dependent group 2 enhancer GRCh37_chr2:238233151-238234350; plus strand). Cytogenetic location: 2q37.3.
Variant type: single nucleotide variant.
Coding change: c.9494-6G>A on transcript NM_004369.4 (MANE Select); 6 bases into the intron before coding-DNA position 9494, G replaced by A.
Molecular consequence: intron variant.
Genome position (GRCh38, 1-based): chr2:237,324,820, C>T on the plus strand (G>A on the coding strand, the complement: COL6A3 is on the minus strand). VCF-style: chr2-237324820-C-T. GRCh37 (hg19) VCF-style: chr2-238233463-C-T.
Other names: c.7673-6G>A (NM_057166.5); c.8876-6G>A (NM_057167.4).
Identifiers: ClinVar variation 1809778 (VCV001809778.31), dbSNP rs367899223, ClinGen allele CA2187238.